The following is an entry in ClinVar:

NM_000130.5(F5):c.2835G>A (p.Gly945=)

Gene: F5 (coagulation factor V; minus strand). Cytogenetic location: 1q24.2.
Variant type: single nucleotide variant.
Coding change: c.2835G>A on transcript NM_000130.5 (MANE Select); coding-DNA position 2835, G replaced by A.
Protein change: p.Gly945=; no amino-acid change (glycine 945 retained).
Molecular consequence: synonymous variant.
Genome position (GRCh38, 1-based): chr1:169,542,255, C>T on the plus strand (G>A on the coding strand, the complement: F5 is on the minus strand). VCF-style: chr1-169542255-C-T. GRCh37 (hg19) VCF-style: chr1-169511493-C-T.
Identifiers: ClinVar variation 729736 (VCV000729736.51), dbSNP rs370927080, ClinGen allele CA1234026.

ClinVar aggregate classification (germline): Likely benign. Review status: criteria provided, multiple submitters, no conflicts (2 of 4 stars). 5 submissions from 5 submitters: Likely benign (5). Last evaluated 2026-01-19.

Conditions:
Congenital factor V deficiency. Also called: LABILE FACTOR DEFICIENCY; OWREN PARAHEMOPHILIA; PARAHEMOPHILIA; Hereditary factor V deficiency disease. Identifiers: Orphanet 326, MedGen C0015499, MONDO:0009210, OMIM 227400.
Inborn genetic diseases. Identifiers: MedGen C0950123, MeSH D030342.

Allele frequency attached by ClinVar (database versions not stated): gnomAD exomes 0.00021 and 0.00024; ESP Exome Variant Server 0.00023; TOPMed 0.00025; ExAC 0.00026; gnomAD 0.00026 and 0.00027; 1000 Genomes Project 30x 0.00047.
gnomAD v4.1: 391 of 1,614,096 alleles (0.024%); highest among the groups gnomAD compares: Middle Eastern, 0.099%; no homozygotes.

Submissions (5):

Labcorp Genetics (formerly Invitae), Labcorp
Classification: Likely benign for Congenital factor V deficiency. Last evaluated: 2026-01-19. Review status: criteria provided, single submitter. Criteria: Invitae Variant Classification Sherloc (09022015). Collection method: clinical testing. Allele origin: germline.

Blueprint Genetics
Classification: Likely benign. Last evaluated: 2024-11-22. Review status: criteria provided, single submitter. Criteria: ACMG Guidelines, 2015. Collection method: clinical testing. Allele origin: germline.

CeGaT Center for Human Genetics Tuebingen
Classification: Likely benign. Last evaluated: 2023-09-01. Review status: criteria provided, single submitter. Criteria: CeGaT Center For Human Genetics Tuebingen Variant Classification Criteria Version 2. Collection method: clinical testing. Allele origin: germline. Affected: yes. Observed: 3 variant alleles.
Comment: F5: BP4, BP7

Ambry Genetics
Classification: Likely benign for Inborn genetic diseases. Last evaluated: 2022-07-17. Review status: criteria provided, single submitter. Criteria: Ambry Variant Classification Scheme 2023. Collection method: clinical testing. Allele origin: germline.

Breakthrough Genomics
Classification: Likely benign. Review status: criteria provided, single submitter. Criteria: ACMG Guidelines, 2015. Collection method: not provided. Allele origin: germline. Inheritance: Autosomal recessive inheritance. Affected: yes.